The following is an entry in ClinVar:

NM_001184.4(ATR):c.4136A>G (p.Lys1379Arg)

Gene: ATR (ATR checkpoint kinase; minus strand). Cytogenetic location: 3q23.
Variant type: single nucleotide variant.
Coding change: c.4136A>G on transcript NM_001184.4 (MANE Select); coding-DNA position 4136, A replaced by G.
Protein change: p.Lys1379Arg; replaces lysine 1379 with arginine.
Molecular consequence: missense variant.
Genome position (GRCh38, 1-based): chr3:142,524,009, T>C on the plus strand (A>G on the coding strand, the complement: ATR is on the minus strand). VCF-style: chr3-142524009-T-C. GRCh37 (hg19) VCF-style: chr3-142242851-T-C.
Other names: c.3944A>G, p.Lys1315Arg (NM_001354579.2); short protein forms K1315R, K1379R.
Identifiers: ClinVar variation 2199542 (VCV002199542.4), dbSNP rs763554358, ClinGen allele CA2649933.

ClinVar aggregate classification (germline): Uncertain significance (1 of 4 stars; one submission).

Allele frequency attached by ClinVar (database versions not stated): TOPMed below 0.00001; ExAC 0.00001; gnomAD exomes below 0.00001.
gnomAD v4.1: 2 of 1,614,068 alleles (0.00012%); highest among the groups gnomAD compares: Non-Finnish European, 0.00017%; no homozygotes.

Submission:

Labcorp Genetics (formerly Invitae), Labcorp
Classification: Uncertain significance. Last evaluated: 2022-06-23. Review status: criteria provided, single submitter. Criteria: Invitae Variant Classification Sherloc (09022015). Collection method: clinical testing. Allele origin: germline.
Comment: In summary, the available evidence is currently insufficient to determine the role of this variant in disease. Therefore, it has been classified as a Variant of Uncertain Significance. Algorithms developed to predict the effect of missense changes on protein structure and function (SIFT, PolyPhen-2, Align-GVGD) all suggest that this variant is likely to be tolerated. This variant has not been reported in the literature in individuals affected with ATR-related conditions. This variant is not present in population databases (gnomAD no frequency). This sequence change replaces lysine, which is basic and polar, with arginine, which is basic and polar, at codon 1379 of the ATR protein (p.Lys1379Arg).